The following is an entry in ClinVar:

ClinVar aggregate classification (germline): Uncertain significance. Review status: criteria provided, multiple submitters, no conflicts (2 of 4 stars). 2 submissions from 2 submitters: Uncertain significance (2). Last evaluated 2021-06-14.

Submissions (2):

Blueprint Genetics
Classification: Uncertain significance. Last evaluated: 2021-06-14. Review status: criteria provided, single submitter. Criteria: ACMG Guidelines, 2015. Collection method: clinical testing. Allele origin: germline.

GeneDx
Classification: Uncertain significance. Last evaluated: 2014-05-04. Review status: criteria provided, single submitter. Criteria: GeneDx Variant Classification (06012015). Collection method: clinical testing. Allele origin: germline. Affected: yes.
Comment: p.Leu2308Pro (CTC>CCC): c.6923 T>C in exon 57 of the FBN1 gene (NM_000138.4)A variant of unknown significance has been identified in the FBN1 gene. The L2308P variant has not been published as a mutation, nor has it been reported as a benign polymorphism to our knowledge. The L2308P variant was not observed in approximately 6,500 individuals of European and African American ancestry in the NHLBI Exome Sequencing Project, indicating it is not a common benign variant in these populations. The L2308P variant is a conservative amino acid substitution, which is not likely to impact secondary protein structure as these residues share similar properties. This substitution occurs at a position that is well conserved in mammals. In silico analysis is inconsistent in its predictions as to whether or not the variant is damaging to the protein structure/function. Missense mutations in nearby residues (C2302Y, C2307R, C2307S, C2316R, C2318R, C2318Y) have been reported in association with Marfan syndrome, supporting the functional importance of this region of the protein.Therefore, based on the currently available information, it is unclear whether this variant is a pathogenic mutation or a rare benign variant. The variant is found in TAAD panel(s).

NM_000138.5(FBN1):c.6923T>C (p.Leu2308Pro)

Gene: FBN1 (fibrillin 1; minus strand). Cytogenetic location: 15q21.1.
Variant type: single nucleotide variant.
Coding change: c.6923T>C on transcript NM_000138.5 (MANE Select); coding-DNA position 6923, T replaced by C.
Protein change: p.Leu2308Pro; replaces leucine 2308 with proline.
Molecular consequence: missense variant.
Genome position (GRCh38, 1-based): chr15:48,428,420, A>G on the plus strand (T>C on the coding strand, the complement: FBN1 is on the minus strand). VCF-style: chr15-48428420-A-G. GRCh37 (hg19) VCF-style: chr15-48720617-A-G.
Other names: p.L2308P:CTC>CCC; short protein forms L2308P.
Identifiers: ClinVar variation 200098 (VCV000200098.3), dbSNP rs794728260, ClinGen allele CA016851.